The following is an entry in ClinVar:

NM_000245.4(MET):c.1063G>C (p.Glu355Gln)

Gene: MET (MET proto-oncogene, receptor tyrosine kinase; plus strand). Cytogenetic location: 7q31.2.
Variant type: single nucleotide variant.
Coding change: c.1063G>C on transcript NM_000245.4 (MANE Select); coding-DNA position 1063, G replaced by C.
Protein change: p.Glu355Gln; replaces glutamic acid 355 with glutamine.
Molecular consequence: missense variant. On other transcripts: intron variant (1).
Genome position (GRCh38, 1-based): chr7:116,700,147, G>C. VCF-style: chr7-116700147-G-C. GRCh37 (hg19) VCF-style: chr7-116340201-G-C.
Other names: c.1063G>C, p.Glu355Gln (NM_001127500.3, NM_001324401.3); c.-91+27570G>C (NM_001324402.2); short protein forms E355Q.
Identifiers: ClinVar variation 3241916 (VCV003241916.2), dbSNP rs561295443.

ClinVar aggregate classification (germline): Uncertain significance. Review status: criteria provided, multiple submitters, no conflicts (2 of 4 stars). 2 submissions from 2 submitters: Uncertain significance (2). Last evaluated 2024-03-08.

Conditions:
Autosomal recessive nonsyndromic hearing loss 97. Also called: Deafness, autosomal recessive 97. Identifiers: Orphanet 90636, MedGen C4084709, MONDO:0014739, OMIM 616705.

Submissions (2):

Baylor Genetics
Classification: Uncertain significance for Autosomal recessive nonsyndromic hearing loss 97. Last evaluated: 2024-03-08. Review status: criteria provided, single submitter. Criteria: ACMG Guidelines, 2015. Collection method: clinical testing. Allele origin: unknown.

GeneDx
Classification: Uncertain significance. Last evaluated: 2024-02-16. Review status: criteria provided, single submitter. Criteria: GeneDx Variant Classification Process June 2021. Collection method: clinical testing. Allele origin: germline. Affected: yes.
Comment: Not observed at significant frequency in large population cohorts (gnomAD); In silico analysis supports that this missense variant does not alter protein structure/function; Has not been previously published as pathogenic or benign to our knowledge